The following is an entry in ClinVar:

ClinVar aggregate classification (germline): Pathogenic/Likely pathogenic. Review status: criteria provided, multiple submitters, no conflicts (2 of 4 stars). 2 submissions from 2 submitters: Pathogenic (1); Likely pathogenic (1). Last evaluated 2025-10-01.

Conditions:
Periventricular nodular heterotopia 9. Identifiers: MedGen C5394503, MONDO:0030061, OMIM 618918.

Submissions (2):

CeGaT Center for Human Genetics Tuebingen
Classification: Pathogenic. Last evaluated: 2025-10-01. Review status: criteria provided, single submitter. Criteria: CeGaT Center For Human Genetics Tuebingen Variant Classification Criteria Version 2. Collection method: clinical testing. Allele origin: germline. Affected: yes. Observed: 2 variant alleles.
Comment: MAP1B: PVS1, PM2

3billion
Classification: Likely pathogenic for Periventricular nodular heterotopia 9. Last evaluated: 2023-06-22. Review status: criteria provided, single submitter. Criteria: ACMG Guidelines, 2015. Collection method: clinical testing. Allele origin: germline. Affected: yes.
Comment: The variant is not observed in the gnomAD v2.1.1 dataset. Predicted Consequence/Location: Stop-gained (nonsense): predicted to result in a loss or disruption of normal protein function through nonsense-mediated decay (NMD) or protein truncation. Multiple pathogenic variants are reported downstream of the variant. Therefore, this variant is classified as Likely pathogenic according to the recommendation of ACMG/AMP guideline.

NM_005909.5(MAP1B):c.253C>T (p.Arg85Ter)

Gene: MAP1B (microtubule associated protein 1B; plus strand). Cytogenetic location: 5q13.2.
Variant type: single nucleotide variant.
Coding change: c.253C>T on transcript NM_005909.5 (MANE Select); coding-DNA position 253, C replaced by T.
Protein change: p.Arg85Ter; replaces arginine 85 with a stop codon.
Molecular consequence: nonsense.
Genome position (GRCh38, 1-based): chr5:72,115,766, C>T. VCF-style: chr5-72115766-C-T. GRCh37 (hg19) VCF-style: chr5-71411593-C-T.
Other names: short protein forms R85*.
Identifiers: ClinVar variation 3775685 (VCV003775685.7).